The following is an entry in ClinVar:

ClinVar aggregate classification (germline): Uncertain significance (1 of 4 stars; one submission).

Conditions:
Inborn genetic diseases. Identifiers: MedGen C0950123, MeSH D030342.

Submission:

Ambry Genetics
Classification: Uncertain significance for Inborn genetic diseases. Last evaluated: 2026-06-06. Review status: criteria provided, single submitter. Criteria: Ambry Variant Classification Scheme 2023. Collection method: clinical testing. Allele origin: germline.
Comment: The p.L1147M variant (also known as c.3439C>A), located in coding exon 20 of the RECQL4 gene, results from a C to A substitution at nucleotide position 3439. The leucine at codon 1147 is replaced by methionine, an amino acid with highly similar properties. This amino acid position is conserved. In addition, this alteration is predicted to be tolerated by in silico analysis. Based on the available evidence, the clinical significance of this variant remains unclear.

NM_004260.4(RECQL4):c.3439C>A (p.Leu1147Met)

Gene: RECQL4 (RecQ like helicase 4; minus strand). Cytogenetic location: 8q24.3.
Variant type: single nucleotide variant.
Coding change: c.3439C>A on transcript NM_004260.4 (MANE Select); coding-DNA position 3439, C replaced by A.
Protein change: p.Leu1147Met; replaces leucine 1147 with methionine.
Molecular consequence: missense variant. On other transcripts: non-coding transcript variant (3).
Genome position (GRCh38, 1-based): chr8:144,511,744, G>T on the plus strand (C>A on the coding strand, the complement: RECQL4 is on the minus strand). VCF-style: chr8-144511744-G-T. GRCh37 (hg19) VCF-style: chr8-145737127-G-T.
Other names: c.2368C>A, p.Leu790Met (NM_001413034.1, NM_001413035.1, NM_001413040.1 and 4 more transcripts); c.3448C>A, p.Leu1150Met (NM_001413036.1); c.2236C>A, p.Leu746Met (NM_001413037.1); c.2170C>A, p.Leu724Met (NM_001413038.1, NM_001413031.1); c.3409C>A, p.Leu1137Met (NM_001413039.1); c.2377C>A, p.Leu793Met (NM_001413041.1); c.2338C>A, p.Leu780Met (NM_001413042.1); c.1972C>A, p.Leu658Met (NM_001413043.1); and 9 more; short protein forms L1030M, L1049M, L1081M, L1103M, L1104M, L1115M, L1137M, L1147M.
Identifiers: ClinVar variation 4863210 (VCV004863210.1).